The following is an entry in ClinVar:

NM_003482.4(KMT2D):c.10507+8_10507+9insTCAGTGATCTGAGTGATCAGAGATCA

Gene: KMT2D (lysine methyltransferase 2D; minus strand). Cytogenetic location: 12q13.12.
Variant type: Insertion.
Coding change: c.10507+8_10507+9insTCAGTGATCTGAGTGATCAGAGATCA on transcript NM_003482.4 (MANE Select); bases 8 to 9 of the intron after coding-DNA position 10507, TCAGTGATCTGAGTGATCAGAGATCA inserted.
Molecular consequence: intron variant.
Genome position: GRCh38 VCF-style: chr12-49034401-C-CTGATCTCTGATCACTCAGATCACTGA. GRCh37 (hg19) VCF-style: chr12-49428184-C-CTGATCTCTGATCACTCAGATCACTGA.
Identifiers: ClinVar variation 2764704 (VCV002764704.3), dbSNP rs767227427, ClinGen allele CA2034950436.

ClinVar aggregate classification (germline): Uncertain significance (1 of 4 stars; one submission).

Conditions:
Kabuki syndrome. Also called: NIIKAWA-KUROKI SYNDROME; Kabuki make-up syndrome. Identifiers: Orphanet 2322, MedGen C0796004, MONDO:0016512.

Submission:

Labcorp Genetics (formerly Invitae), Labcorp
Classification: Uncertain significance for Kabuki syndrome. Last evaluated: 2023-10-09. Review status: criteria provided, single submitter. Criteria: Invitae Variant Classification Sherloc (09022015). Collection method: clinical testing. Allele origin: germline.
Comment: This sequence change falls in intron 37 of the KMT2D gene. It does not directly change the encoded amino acid sequence of the KMT2D protein. This variant is not present in population databases (gnomAD no frequency). This variant has not been reported in the literature in individuals affected with KMT2D-related conditions. Experimental studies and prediction algorithms are not available or were not evaluated, and the effect of this variant on mRNA splicing is currently unknown. In summary, the available evidence is currently insufficient to determine the role of this variant in disease. Therefore, it has been classified as a Variant of Uncertain Significance.